The following is an entry in ClinVar:

NM_032737.4(LMNB2):c.1229C>T (p.Ser410Leu)

Gene: LMNB2 (lamin B2; minus strand). Cytogenetic location: 19p13.3.
Variant type: single nucleotide variant.
Coding change: c.1229C>T on transcript NM_032737.4 (MANE Select); coding-DNA position 1229, C replaced by T.
Protein change: p.Ser410Leu; replaces serine 410 with leucine.
Molecular consequence: missense variant.
Genome position (GRCh38, 1-based): chr19:2,434,079, G>A on the plus strand (C>T on the coding strand, the complement: LMNB2 is on the minus strand). VCF-style: chr19-2434079-G-A. GRCh37 (hg19) VCF-style: chr19-2434077-G-A.
Other names: short protein forms S410L.
Identifiers: ClinVar variation 2935717 (VCV002935717.3), dbSNP rs910416741, ClinGen allele CA304225434.

ClinVar aggregate classification (germline): Uncertain significance (1 of 4 stars; one submission).

Conditions:
Progressive myoclonic epilepsy type 9. Identifiers: Orphanet 457265, MedGen C4225289, MONDO:0014685, OMIM 616540.
Lipodystrophy, partial, acquired, susceptibility to (APLD). Also called: APLD, SUSCEPTIBILITY TO. Identifiers: MedGen C3887501, MONDO:0100476, OMIM 608709.

Allele frequency attached by ClinVar (database versions not stated): gnomAD 0.00001; gnomAD exomes 0.00001; TOPMed 0.00002.
gnomAD v4.1: 16 of 1,593,568 alleles (0.001%); highest among the groups gnomAD compares: African/African-American, 0.0027%; no homozygotes.

Submission:

Labcorp Genetics (formerly Invitae), Labcorp
Classification: Uncertain significance for Progressive myoclonic epilepsy type 9; Lipodystrophy, partial, acquired, susceptibility to. Last evaluated: 2022-11-23. Review status: criteria provided, single submitter. Criteria: Invitae Variant Classification Sherloc (09022015). Collection method: clinical testing. Allele origin: germline.
Comment: This sequence change replaces serine, which is neutral and polar, with leucine, which is neutral and non-polar, at codon 410 of the LMNB2 protein (p.Ser410Leu). This variant is present in population databases (no rsID available, gnomAD 0.01%). This variant has not been reported in the literature in individuals affected with LMNB2-related conditions. Advanced modeling of protein sequence and biophysical properties (such as structural, functional, and spatial information, amino acid conservation, physicochemical variation, residue mobility, and thermodynamic stability) performed at Invitae indicates that this missense variant is not expected to disrupt LMNB2 protein function. In summary, the available evidence is currently insufficient to determine the role of this variant in disease. Therefore, it has been classified as a Variant of Uncertain Significance.